The following is an entry in ClinVar:

NM_014049.5(ACAD9):c.1693-270C>T

Genes: ACAD9 (acyl-CoA dehydrogenase family member 9; plus strand), CFAP92 (cilia and flagella associated protein 92 (putative); minus strand). Cytogenetic location: 3q21.3.
Variant type: single nucleotide variant.
Coding change: c.1693-270C>T on transcript NM_014049.5 (MANE Select); 270 bases into the intron before coding-DNA position 1693, C replaced by T.
Molecular consequence: intron variant.
Genome position (GRCh38, 1-based): chr3:128,910,471, C>T. VCF-style: chr3-128910471-C-T. GRCh37 (hg19) VCF-style: chr3-128629314-C-T.
Other names: c.1324-270C>T (NM_001410805.1); c.2312-138G>A (NM_001348521.2); c.2408-138G>A (NM_001348520.2); c.3281-138G>A (NM_001394090.1).
Identifiers: ClinVar variation 3777880 (VCV003777880.7).

ClinVar aggregate classification (germline): Likely benign (1 of 4 stars; one submission).

gnomAD v4.1: 770 of 875,014 alleles (0.088%); highest among the groups gnomAD compares: Non-Finnish European, 0.12%; 1 homozygote.

Submission:

CeGaT Center for Human Genetics Tuebingen
Classification: Likely benign. Last evaluated: 2026-09-01. Review status: criteria provided, single submitter. Criteria: CeGaT Center For Human Genetics Tuebingen Variant Classification Criteria Version 2. Collection method: clinical testing. Allele origin: germline. Affected: yes. Observed: 3 variant alleles.
Comment: ACAD9: BP4, BP7